The following is an entry in ClinVar:

NM_024675.4(PALB2):c.2129C>T (p.Thr710Met)

Gene: PALB2 (partner and localizer of BRCA2; minus strand). Cytogenetic location: 16p12.2.
Variant type: single nucleotide variant.
Coding change: c.2129C>T on transcript NM_024675.4 (MANE Select); coding-DNA position 2129, C replaced by T.
Protein change: p.Thr710Met; replaces threonine 710 with methionine.
Molecular consequence: missense variant.
Genome position (GRCh38, 1-based): chr16:23,630,025, G>A on the plus strand (C>T on the coding strand, the complement: PALB2 is on the minus strand). VCF-style: chr16-23630025-G-A. GRCh37 (hg19) VCF-style: chr16-23641346-G-A.
Other names: short protein forms T710M.
Identifiers: ClinVar variation 410177 (VCV000410177.37), dbSNP rs759024828, ClinGen allele CA7963619.

ClinVar aggregate classification (germline): Uncertain significance. Review status: criteria provided, multiple submitters, no conflicts (2 of 4 stars). 13 submissions from 13 submitters: Uncertain significance (11). 2 of the submissions do not count toward it. Last evaluated 2026-01-19.

Conditions:
Pancreatic cancer, susceptibility to, 3. Identifiers: Orphanet 1333, MedGen C3150547, MONDO:0013236, OMIM 613348.
Familial cancer of breast. Also called: BREAST CANCER, FAMILIAL; hereditary breast carcinoma; Hereditary breast cancer. Identifiers: Orphanet 227535, MedGen C0346153, MONDO:0016419, OMIM 114480. Disease mechanism: loss of function.
Fanconi anemia complementation group N. Also called: PALB2-Related Fanconi Anemia. Identifiers: Orphanet 84, MedGen C1835817, MONDO:0012565, OMIM 610832. Disease mechanism: loss of function.
PALB2-related cancer predisposition. Identifiers: MedGen CN377761, MONDO:0700272.
Hereditary cancer-predisposing syndrome. Also called: Neoplastic Syndromes, Hereditary; Tumor predisposition; Hereditary Cancer Syndrome; Hereditary neoplastic syndrome. Identifiers: Orphanet 140162, MedGen C0027672, MeSH D009386, MONDO:0015356.
PALB2-related disorder. Also called: PALB2-related disorders; PALB2-related condition.
Breast-ovarian cancer, familial, susceptibility to, 5 (BROVCA5). Identifiers: MedGen C5830615, MONDO:0957530, OMIM 620442.

Allele frequency attached by ClinVar (database versions not stated): ExAC 0.00001; TOPMed 0.00001; gnomAD exomes 0.00001.
gnomAD v4.1: 13 of 1,614,142 alleles (0.00081%); highest among the groups gnomAD compares: Middle Eastern, 0.016%; no homozygotes.

Submissions 1 to 9 of 13:

Dasa
Classification: Uncertain significance for Breast-ovarian cancer, familial, susceptibility to, 5. Last evaluated: 2026-01-19. Review status: criteria provided, single submitter. Criteria: DASA Assertion Criteria. Collection method: clinical testing. Allele origin: germline.
Comment: NM_024675.4(PALB2):c.2129C>T (p.Thr710Met) is a missense variant that results in the substitution of threonine with methionine. This variant is rare in population databases. The currently available literature and clinical evidence are not sufficient to establish a definitive association between this variant and the reported condition. Therefore, this variant is classified as a variant of uncertain significance.

Labcorp Genetics (formerly Invitae), Labcorp
Classification: Uncertain significance for Familial cancer of breast. Last evaluated: 2025-12-09. Review status: criteria provided, single submitter. Criteria: Invitae Variant Classification Sherloc (09022015). Collection method: clinical testing. Allele origin: germline.
Comment: This sequence change replaces threonine, which is neutral and polar, with methionine, which is neutral and non-polar, at codon 710 of the PALB2 protein (p.Thr710Met). This variant is present in population databases (rs759024828, gnomAD 0.006%). This missense change has been observed in individual(s) with pediatric acute myeloid leukemia, breast cancer, biliary tract cancer, pancreatic ductal adenocarcinoma (PMID: 31206626, 31470354, 34326862, 35171259, 36243179). ClinVar contains an entry for this variant (Variation ID: 410177). Invitae Evidence Modeling of protein sequence and biophysical properties (such as structural, functional, and spatial information, amino acid conservation, physicochemical variation, residue mobility, and thermodynamic stability) indicates that this missense variant is expected to disrupt PALB2 protein function with a positive predictive value of 80%. In summary, the available evidence is currently insufficient to determine the role of this variant in disease. Therefore, it has been classified as a Variant of Uncertain Significance.

Ambry Genetics
Classification: Uncertain significance for Hereditary cancer-predisposing syndrome. Last evaluated: 2025-04-03. Review status: criteria provided, single submitter. Criteria: Ambry Variant Classification Scheme 2023. Collection method: clinical testing. Allele origin: germline.
Comment: The p.T710M variant (also known as c.2129C>T), located in coding exon 5 of the PALB2 gene, results from a C to T substitution at nucleotide position 2129. The threonine at codon 710 is replaced by methionine, an amino acid with similar properties. In one study, this alteration was observed with an allele frequency of 0.0001 in 12490 male controls of Japanese ancestry, but not observed in 53 unselected male or 7051 unselected female breast cancer patients, or 11241 female controls (Momozawa Y et al. Nat Commun. 2018 10;9:4083). This alteration was detected in 1/5589 German and 1/1054 Hispanic BRCA1/2-negative probands with breast cancer but was not detected in controls (Hauke J et al. Cancer Med. 2018 Apr;7:1349-1358; Weitzel JN et al. Cancer. 2019 Aug;125:2829-2836). This amino acid position is well conserved in available vertebrate species. In addition, this alteration is predicted to be tolerated by in silico analysis. Since supporting evidence is limited at this time, the clinical significance of this alteration remains unclear.

GeneDx
Classification: Uncertain significance. Last evaluated: 2024-05-17. Review status: criteria provided, single submitter. Criteria: GeneDx Variant Classification Process June 2021. Collection method: clinical testing. Allele origin: germline.
Comment: Not observed at significant frequency in large population cohorts (gnomAD); In silico analysis supports that this missense variant has a deleterious effect on protein structure/function; Observed in individuals with a personal and/or family history of breast, pancreatic, pediatric-onset acute myeloid leukemia, and/or other cancers, as well as in unaffected controls (PMID: 30287823, 31470354, 31206626, 33471991, 34326862, 35171259, 32980694, 29522266); This variant is associated with the following publications: (PMID: 30287823, 31470354, 31206626, 33471991, 22941656, 34326862, 36243179, 32980694, 31214711, 29522266, 35171259)

Color Diagnostics, LLC DBA Color Health
Classification: Uncertain significance for Hereditary cancer-predisposing syndrome. Last evaluated: 2024-03-19. Review status: criteria provided, single submitter. Criteria: ACMG Guidelines, 2015. Collection method: clinical testing. Allele origin: germline.
Comment: This missense variant replaces threonine with methionine at codon 710 of the PALB2 protein. Computational prediction suggests that this variant may not impact protein structure and function. To our knowledge, functional studies have not been reported for this variant. This variant has been detected in a breast cancer case-control meta-analysis in 1/60466 cases and 2/53461 unaffected individuals (PMID: 33471991; Leiden Open Variation Database DB-ID PALB2_010448). This variant also has been reported in breast, pancreatic, prostate and biliary tract cancer case-control studies in which it was detected in 1 unaffected control in each study and absent in cancer cases (PMID: 30287823, 31214711, 32980694, 36243179). This variant also has been reported in one individual each affected with pancreatic cancer and acute pancreatitis (PMID: 35171259). This variant has been identified in 3/251492 chromosomes in the general population by the Genome Aggregation Database (gnomAD). The available evidence is insufficient to determine the role of this variant in disease conclusively. Therefore, this variant is classified as a Variant of Uncertain Significance.

Baylor Genetics
Classification: Uncertain significance for Familial cancer of breast. Last evaluated: 2024-03-04. Review status: criteria provided, single submitter. Criteria: ACMG Guidelines, 2015. Collection method: clinical testing. Allele origin: unknown.

Hema, HEMA – Genetic and Molecular Diagnostic Laboratory
Classification: Uncertain significance for PALB2-related cancer predisposition. Last evaluated: 2024-01-30. Review status: criteria provided, single submitter. Criteria: HEMA Variant Classification Assertion Criteria. Collection method: clinical testing. Allele origin: germline.
Comment: The c.2129C>T variant is a transition from guanine to adenine, resulting in the substitution of threonine 710 with methionine in the PALB2 protein. BP1: Missense variant in PALB2, a gene in which pathogenic variants are primarily truncating variants according to the ClinGen Hereditary Breast, Ovarian and Pancreatic Cancer Variant Curation Expert Panel.

Quest Diagnostics Nichols Institute San Juan Capistrano
Classification: Uncertain significance. Last evaluated: 2023-03-16. Review status: criteria provided, single submitter. Criteria: Quest Diagnostics criteria. Collection method: clinical testing. Allele origin: unknown.
Comment: The frequency of this variant in the general population, 0.000012 (3/251492 chromosomes), is uninformative in assessment of its pathogenicity. In the published literature, the variant has been reported in an individual with breast cancer (PMID: 33471991 (2021)), and in an individual with pediatric acute myeloid leukemia (AML) (PMID: 31470354 (2019)). It has also been reported in healthy individuals in large breast cancer association studies (PMID: 30287823 (2018), 31206626 (2019), 33471991 (2021)). Analysis of this variant using bioinformatics tools for the prediction of the effect of amino acid changes on protein structure and function yielded conflicting predictions that this variant is benign or damaging. Based on the available information, we are unable to determine the clinical significance of this variant.

Fulgent Genetics
Classification: Uncertain significance for Familial cancer of breast; Fanconi anemia complementation group N; Pancreatic cancer, susceptibility to, 3. Last evaluated: 2022-02-25. Review status: criteria provided, single submitter. Criteria: ACMG Guidelines, 2015. Collection method: clinical testing. Allele origin: unknown.